The following is an entry in ClinVar:

ClinVar aggregate classification (germline): Benign (1 of 4 stars; one submission).

Conditions:
Tuberous sclerosis 2 (TSC2). Identifiers: Orphanet 805, MedGen C1860707, MONDO:0013199, OMIM 613254.

Submission:

Myriad Genetics, Inc.
Classification: Benign for Tuberous sclerosis 2. Last evaluated: 2025-06-04. Review status: criteria provided, single submitter. Criteria: Myriad Autosomal Dominant, Autosomal Recessive and X-Linked Classification Criteria (2023). Collection method: clinical testing. Allele origin: unknown.
Comment: This variant is considered benign. This variant is a silent/synonymous amino acid change and it is not expected to impact splicing.

NM_000548.5(TSC2):c.4593G>A (p.Val1531=)

Gene: TSC2 (TSC complex subunit 2; plus strand). Cytogenetic location: 16p13.3.
Variant type: single nucleotide variant.
Coding change: c.4593G>A on transcript NM_000548.5 (MANE Select); coding-DNA position 4593, G replaced by A.
Protein change: p.Val1531=; no amino-acid change (valine 1531 retained).
Molecular consequence: synonymous variant. On other transcripts: non-coding transcript variant (5).
Genome position (GRCh38, 1-based): chr16:2,085,253, G>A. VCF-style: chr16-2085253-G-A. GRCh37 (hg19) VCF-style: chr16-2135254-G-A.
Other names: c.4392G>A, p.Val1464= (NM_001077183.3); c.4524G>A, p.Val1508= (NM_001114382.3); c.4284G>A, p.Val1428= (NM_001318827.2); c.4248G>A, p.Val1416= (NM_001318829.2); c.3861G>A, p.Val1287= (NM_001318831.2); c.4425G>A, p.Val1475= (NM_001318832.2); c.4395G>A, p.Val1465= (NM_001363528.2); c.4461G>A, p.Val1487= (NM_001370404.1); and 26 more.
Identifiers: ClinVar variation 4071151 (VCV004071151.1).
Genomic context (GRCh38, chr16:2,085,253, plus strand): 5'-GGCGTCTGGGGCTCAGGCAGGGCTCTGTGTGCCACAGTCACAGTCCTTTGAGCGGTCGGT[G>A]CAGCTCCTCGACCAGATCCCATCATACGACACCCACAAGATCGCCGTCCTGTATGTTGGA-3'
Protein context (NP_000539.2, residues 1521-1541): PNESQSFERS[Val1531=]QLLDQIPSYD